The following is an entry in ClinVar:

NM_001127198.5(TMC6):c.1716-8G>A

Gene: TMC6 (transmembrane channel like 6; minus strand). Cytogenetic location: 17q25.3.
Variant type: single nucleotide variant.
Coding change: c.1716-8G>A on transcript NM_001127198.5 (MANE Select); 8 bases into the intron before coding-DNA position 1716, G replaced by A.
Molecular consequence: intron variant.
Genome position (GRCh38, 1-based): chr17:78,119,400, C>T on the plus strand (G>A on the coding strand, the complement: TMC6 is on the minus strand). VCF-style: chr17-78119400-C-T. GRCh37 (hg19) VCF-style: chr17-76115481-C-T.
Other names: c.1536-8G>A (NM_001374594.1, NM_001374593.1); c.1716-8G>A (NM_001374596.1, NM_007267.7, NM_001321185.1 and 2 more transcripts).
Identifiers: ClinVar variation 1043147 (VCV001043147.7), dbSNP rs781091487, ClinGen allele CA8795593.

ClinVar aggregate classification (germline): Uncertain significance (1 of 4 stars; one submission).

Conditions:
Epidermodysplasia verruciformis. Identifiers: Orphanet 302, MedGen C0014522, MONDO:0009176.

Allele frequency attached by ClinVar (database versions not stated): gnomAD 0.00001.
gnomAD v4.1: 25 of 1,613,670 alleles (0.0015%); highest among the groups gnomAD compares: Admixed American, 0.0033%; no homozygotes.

Submission:

Labcorp Genetics (formerly Invitae), Labcorp
Classification: Uncertain significance for Epidermodysplasia verruciformis. Last evaluated: 2024-07-31. Review status: criteria provided, single submitter. Criteria: Invitae Variant Classification Sherloc (09022015). Collection method: clinical testing. Allele origin: germline.
Comment: This sequence change falls in intron 13 of the TMC6 gene. It does not directly change the encoded amino acid sequence of the TMC6 protein. This variant is present in population databases (rs781091487, gnomAD 0.006%). This variant has not been reported in the literature in individuals affected with TMC6-related conditions. ClinVar contains an entry for this variant (Variation ID: 1043147). Algorithms developed to predict the effect of sequence changes on RNA splicing suggest that this variant may disrupt the consensus splice site. In summary, the available evidence is currently insufficient to determine the role of this variant in disease. Therefore, it has been classified as a Variant of Uncertain Significance.